The following is an entry in ClinVar:

NM_197968.4(ZMYM2):c.716T>G (p.Val239Gly)

Gene: ZMYM2 (zinc finger MYM-type containing 2; plus strand). Cytogenetic location: 13q12.11.
Variant type: single nucleotide variant.
Coding change: c.716T>G on transcript NM_197968.4 (MANE Select); coding-DNA position 716, T replaced by G.
Protein change: p.Val239Gly; replaces valine 239 with glycine.
Molecular consequence: missense variant. On other transcripts: non-coding transcript variant (1), intron variant (2).
Genome position (GRCh38, 1-based): chr13:19,993,788, T>G. VCF-style: chr13-19993788-T-G. GRCh37 (hg19) VCF-style: chr13-20567928-T-G.
Other names: c.716T>G, p.Val239Gly (NM_001190964.4, NM_001190965.4, NM_001353157.2 and 5 more transcripts); c.493-38T>G (NM_001353163.2); c.559-38T>G (NM_001353161.3); short protein forms V239G.
Identifiers: ClinVar variation 3391720 (VCV003391720.1).

ClinVar aggregate classification (germline): Uncertain significance (1 of 4 stars; one submission).

Submission:

GeneDx
Classification: Uncertain significance. Last evaluated: 2024-06-18. Review status: criteria provided, single submitter. Criteria: GeneDx Variant Classification Process June 2021. Collection method: clinical testing. Allele origin: germline. Affected: yes.
Comment: Not observed at significant frequency in large population cohorts (gnomAD); In silico analysis indicates that this missense variant does not alter protein structure/function; Has not been previously published as pathogenic or benign to our knowledge